The following is an entry in ClinVar:

ClinVar aggregate classification (germline): Uncertain significance (1 of 4 stars; one submission).

Conditions:
Cardiovascular phenotype. Identifiers: MedGen CN230736.
Hereditary cancer-predisposing syndrome. Also called: Neoplastic Syndromes, Hereditary; Tumor predisposition; Hereditary neoplastic syndrome; Hereditary Cancer Syndrome. Identifiers: Orphanet 140162, MedGen C0027672, MeSH D009386, MONDO:0015356.

Submission:

Ambry Genetics
Classification: Uncertain significance for Cardiovascular phenotype; Hereditary cancer-predisposing syndrome. Last evaluated: 2026-08-18. Review status: criteria provided, single submitter. Criteria: Ambry Variant Classification Scheme 2023. Collection method: clinical testing. Allele origin: germline.
Comment: The p.I411T variant (also known as c.1232T>C), located in coding exon 11 of the LZTR1 gene, results from a T to C substitution at nucleotide position 1232. The isoleucine at codon 411 is replaced by threonine, an amino acid with similar properties. This amino acid position is conserved. In addition, this alteration is predicted to be tolerated by in silico analysis. Based on the available evidence, the clinical significance of this variant remains unclear.

NM_006767.4(LZTR1):c.1232T>C (p.Ile411Thr)

Gene: LZTR1 (leucine zipper like post translational regulator 1; plus strand). Cytogenetic location: 22q11.21.
Variant type: single nucleotide variant.
Coding change: c.1232T>C on transcript NM_006767.4 (MANE Select); coding-DNA position 1232, T replaced by C.
Protein change: p.Ile411Thr; replaces isoleucine 411 with threonine.
Molecular consequence: missense variant.
Genome position (GRCh38, 1-based): chr22:20,992,876, T>C. VCF-style: chr22-20992876-T-C. GRCh37 (hg19) VCF-style: chr22-21347165-T-C.
Other names: short protein forms I411T.
Identifiers: ClinVar variation 5023794 (VCV005023794.1).